The following is an entry in ClinVar:

ClinVar aggregate classification (germline): Uncertain significance (1 of 4 stars; one submission).

Allele frequency attached by ClinVar (database versions not stated): gnomAD 0.00001; TOPMed 0.00001.
gnomAD v4.1: 5 of 1,613,626 alleles (0.00031%); highest among the groups gnomAD compares: African/African-American, 0.0013%; no homozygotes.

Submission:

Labcorp Genetics (formerly Invitae), Labcorp
Classification: Uncertain significance. Last evaluated: 2024-01-22. Review status: criteria provided, single submitter. Criteria: Invitae Variant Classification Sherloc (09022015). Collection method: clinical testing. Allele origin: germline.
Comment: This sequence change replaces proline, which is neutral and non-polar, with serine, which is neutral and polar, at codon 2122 of the FRAS1 protein (p.Pro2122Ser). This variant is present in population databases (no rsID available, gnomAD 0.01%). This variant has not been reported in the literature in individuals affected with FRAS1-related conditions. ClinVar contains an entry for this variant (Variation ID: 2056016). Advanced modeling of protein sequence and biophysical properties (such as structural, functional, and spatial information, amino acid conservation, physicochemical variation, residue mobility, and thermodynamic stability) performed at Invitae indicates that this missense variant is expected to disrupt FRAS1 protein function with a positive predictive value of 80%. In summary, the available evidence is currently insufficient to determine the role of this variant in disease. Therefore, it has been classified as a Variant of Uncertain Significance.

NM_025074.7(FRAS1):c.6364C>T (p.Pro2122Ser)

Gene: FRAS1 (Fraser extracellular matrix complex subunit 1; plus strand). Cytogenetic location: 4q21.21.
Variant type: single nucleotide variant.
Coding change: c.6364C>T on transcript NM_025074.7 (MANE Select); coding-DNA position 6364, C replaced by T.
Protein change: p.Pro2122Ser; replaces proline 2122 with serine.
Molecular consequence: missense variant.
Genome position (GRCh38, 1-based): chr4:78,450,240, C>T. VCF-style: chr4-78450240-C-T. GRCh37 (hg19) VCF-style: chr4-79371394-C-T.
Other names: short protein forms P2122S.
Identifiers: ClinVar variation 2056016 (VCV002056016.4), dbSNP rs769684975, ClinGen allele CA99973607.
Genomic context (GRCh38, chr4:78,450,240, plus strand): 5'-TTGAAAGTGACAGATATTGACTCAGATGACCATCAGGTTATGTACATCATGAAGGAAGAT[C>T]CTGGTGCAGGGCGCCTGCAGATGATGAAGCATGGCAACCTGGAGCAAATTTCTATTAAAG-3'
Protein context (NP_079350.5, residues 2112-2132): HQVMYIMKED[Pro2122Ser]GAGRLQMMKH